The following is an entry in ClinVar:

NM_000051.4(ATM):c.9089G>T (p.Gly3030Val)

Genes: ATM (ATM serine/threonine kinase; plus strand), C11orf65 (chromosome 11 open reading frame 65; minus strand). Cytogenetic location: 11q22.3.
Variant type: single nucleotide variant.
Coding change: c.9089G>T on transcript NM_000051.4 (MANE Select); coding-DNA position 9089, G replaced by T.
Protein change: p.Gly3030Val; replaces glycine 3030 with valine.
Molecular consequence: missense variant. On other transcripts: intron variant (2).
Genome position (GRCh38, 1-based): chr11:108,365,426, G>T. VCF-style: chr11-108365426-G-T. GRCh37 (hg19) VCF-style: chr11-108236153-G-T.
Other names: c.9089G>T, p.Gly3030Val (NM_001351834.2); c.640+20494C>A (NM_001330368.2); c.694+20494C>A (NM_001351110.2); short protein forms G3030V.
Identifiers: ClinVar variation 565867 (VCV000565867.14), dbSNP rs876658529, ClinGen allele CA382531861.

ClinVar aggregate classification (germline): Uncertain significance. Review status: criteria provided, multiple submitters, no conflicts (2 of 4 stars). 2 submissions from 2 submitters: Uncertain significance (2). Last evaluated 2019-11-21.

Conditions:
Hereditary cancer-predisposing syndrome. Also called: Hereditary Cancer Syndrome; Neoplastic Syndromes, Hereditary; Tumor predisposition; Hereditary neoplastic syndrome. Identifiers: Orphanet 140162, MedGen C0027672, MeSH D009386, MONDO:0015356.
Ataxia-telangiectasia syndrome (AT). Also called: Cerebello-oculocutaneous telangiectasia; Immunodeficiency with ataxia telangiectasia; Ataxia-telangiectasia, complementation group E; Ataxia-telangiectasia, complementation group D; AT, COMPLEMENTATION GROUP C; ATAXIA-TELANGIECTASIA, COMPLEMENTATION GROUP A. Identifiers: Orphanet 100, MedGen C0004135, MONDO:0008840, OMIM 208900.

Submissions (2):

Ambry Genetics
Classification: Uncertain significance for Hereditary cancer-predisposing syndrome. Last evaluated: 2019-11-21. Review status: criteria provided, single submitter. Criteria: Ambry Variant Classification Scheme 2023. Collection method: clinical testing. Allele origin: germline.
Comment: The p.G3030V variant (also known as c.9089G>T), located in coding exon 62 of the ATM gene, results from a G to T substitution at nucleotide position 9089. The glycine at codon 3030 is replaced by valine, an amino acid with dissimilar properties. This amino acid position is highly conserved in available vertebrate species. In addition, this alteration is predicted to be deleterious by in silico analysis. Since supporting evidence is limited at this time, the clinical significance of this alteration remains unclear.

Labcorp Genetics (formerly Invitae), Labcorp
Classification: Uncertain significance for Ataxia-telangiectasia syndrome. Last evaluated: 2018-08-15. Review status: criteria provided, single submitter. Criteria: Invitae Variant Classification Sherloc (09022015). Collection method: clinical testing. Allele origin: germline.
Comment: This variant is not present in population databases (ExAC no frequency). This variant has not been reported in the literature in individuals with ATM-related disease. Algorithms developed to predict the effect of missense changes on protein structure and function (SIFT, PolyPhen-2, Align-GVGD) all suggest that this variant is likely to be disruptive, but these predictions have not been confirmed by published functional studies and their clinical significance is uncertain. In summary, the available evidence is currently insufficient to determine the role of this variant in disease. Therefore, it has been classified as a Variant of Uncertain Significance. This sequence change replaces glycine with valine at codon 3030 of the ATM protein (p.Gly3030Val). The glycine residue is highly conserved and there is a moderate physicochemical difference between glycine and valine.